The following is an entry in ClinVar:

NM_002860.4(ALDH18A1):c.1603C>G (p.Leu535Val)

Gene: ALDH18A1 (aldehyde dehydrogenase 18 family member A1; minus strand). Cytogenetic location: 10q24.1.
Variant type: single nucleotide variant.
Coding change: c.1603C>G on transcript NM_002860.4 (MANE Select); coding-DNA position 1603, C replaced by G.
Protein change: p.Leu535Val; replaces leucine 535 with valine.
Molecular consequence: missense variant.
Genome position (GRCh38, 1-based): chr10:95,616,479, G>C on the plus strand (C>G on the coding strand, the complement: ALDH18A1 is on the minus strand). VCF-style: chr10-95616479-G-C. GRCh37 (hg19) VCF-style: chr10-97376236-G-C.
Other names: c.1597C>G, p.Leu533Val (NM_001017423.2, NM_001323415.2); c.1270C>G, p.Leu424Val (NM_001323412.2, NM_001323416.2); c.1603C>G, p.Leu535Val (NM_001323413.2, NM_001323414.2); c.1498C>G, p.Leu500Val (NM_001323417.2); c.1264C>G, p.Leu422Val (NM_001323418.2); c.967C>G, p.Leu323Val (NM_001323419.2); short protein forms L323V, L422V, L424V, L500V, L533V, L535V.
Identifiers: ClinVar variation 5018597 (VCV005018597.2).
Genomic context (GRCh38, chr10:95,616,479, plus strand): 5'-TCCCAAACACCTGATCTGGCCCCTCTGGGCCTGACTTGGTGCATTCCCAGGGACCTACCA[G>C]TTGCACGGCCTCCTTGACTCCATGGATTGAGAGAGCCTCCTGGGTCAGGAGGTGGAGAAT-3'
Protein context (NP_002851.2, residues 525-545): SIHGVKEAVQ[Leu535Val]VNTREEVEDL

ClinVar aggregate classification (germline): Uncertain significance (1 of 4 stars; one submission).

Conditions:
Cutis laxa, autosomal dominant 3 (ADCL3). Identifiers: Orphanet 90348, MedGen C4225268, MONDO:0014706, OMIM 616603.
Autosomal recessive complex spastic paraplegia type 9B. Also called: Spastic paraplegia 9b, autosomal recessive. Identifiers: Orphanet 447760, MedGen C5568980, MONDO:0014702, OMIM 616586.
Hereditary spastic paraplegia 9A. Also called: SPASTIC PARAPARESIS WITH AMYOTROPHY, CATARACTS, AND GASTROESOPHAGEAL REFLUX; SPASTIC PARAPLEGIA 9A, AUTOSOMAL DOMINANT; CATARACTS WITH MOTOR NEURONOPATHY, SHORT STATURE, AND SKELETAL ABNORMALITIES. Identifiers: Orphanet 100990, Orphanet 447753, MedGen C5568978, MONDO:0011006, OMIM 601162.
ALDH18A1-related de Barsy syndrome. Also called: DE BARSY SYNDROME A; Cutis laxa, autosomal recessive IIIA. Identifiers: Orphanet 2962, Orphanet 35664, MedGen C5234852, MONDO:0009053, OMIM 219150.

Submission:

Juno Genomics, Hangzhou Juno Genomics, Inc
Classification: Uncertain significance for Hereditary spastic paraplegia 9A; Autosomal recessive complex spastic paraplegia type 9B; Cutis laxa, autosomal dominant 3; ALDH18A1-related de Barsy syndrome. Review status: criteria provided, single submitter. Criteria: ACMG Guidelines, 2015. Collection method: clinical testing. Allele origin: germline.
Comment: Absent from controls (or at extremely low frequency if recessive) in Genome Aggregation Database.;Missense variant in a gene that has a low rate of benign missense variation.